The following is an entry in ClinVar:

NM_005309.3(GPT):c.1288G>C (p.Glu430Gln)

Gene: GPT (glutamic--pyruvic transaminase; plus strand). Cytogenetic location: 8q24.3.
Variant type: single nucleotide variant.
Coding change: c.1288G>C on transcript NM_005309.3 (MANE Select); coding-DNA position 1288, G replaced by C.
Protein change: p.Glu430Gln; replaces glutamic acid 430 with glutamine.
Molecular consequence: missense variant.
Genome position (GRCh38, 1-based): chr8:144,506,731, G>C. VCF-style: chr8-144506731-G-C. GRCh37 (hg19) VCF-style: chr8-145732114-G-C.
Other names: NC_000008.10:g.145732114G>C; short protein forms E430Q.
Identifiers: ClinVar variation 717393 (VCV000717393.26), dbSNP rs141505249, ClinGen allele CA4947027.

ClinVar aggregate classification (germline): Benign/Likely benign. Review status: criteria provided, multiple submitters, no conflicts (2 of 4 stars). 2 submissions from 2 submitters: Benign (1); Likely benign (1). Last evaluated 2024-01-01.

Allele frequency attached by ClinVar (database versions not stated): 1000 Genomes Project 30x 0.00109; 1000 Genomes Project 0.00120; TOPMed 0.00129; ESP Exome Variant Server 0.00162; gnomAD exomes 0.00274 and 0.00432; gnomAD 0.00362 and 0.00384; ExAC 0.00425.
gnomAD v4.1: 4,546 of 1,611,116 alleles (0.28%); highest among the groups gnomAD compares: Middle Eastern, 0.33%; 29 homozygotes.

Submissions (14):

CeGaT Center for Human Genetics Tuebingen
Classification: Likely benign. Last evaluated: 2024-01-01. Review status: criteria provided, single submitter. Criteria: CeGaT Center For Human Genetics Tuebingen Variant Classification Criteria Version 2. Collection method: clinical testing. Allele origin: germline. Affected: yes. Observed: 1 variant allele.
Comment: GPT: PP3, BS2

Labcorp Genetics (formerly Invitae), Labcorp
Classification: Benign. Last evaluated: 2018-08-14. Review status: criteria provided, single submitter. Criteria: Invitae Variant Classification Sherloc (09022015). Collection method: clinical testing. Allele origin: germline.

Dr. Peter K. Rogan Lab, Western University
No classification provided (evidence only). Condition: Malignant tumor of urinary bladder. Review status: no classification provided. Collection method: in vitro. Allele origin: not applicable. Functional consequence: cryptic splice site, retained intron. Not counted in ClinVar's aggregate classification.

Dr. Peter K. Rogan Lab, Western University
No classification provided (evidence only). Condition: Malignant tumor of urinary bladder. Review status: no classification provided. Collection method: in vitro. Allele origin: not applicable. Functional consequence: cryptic splice site, retained intron. Not counted in ClinVar's aggregate classification.

Dr. Peter K. Rogan Lab, Western University
No classification provided (evidence only). Condition: Thyroid cancer, nonmedullary, 1. Review status: no classification provided. Collection method: in vitro. Allele origin: not applicable. Functional consequence: retained intron. Not counted in ClinVar's aggregate classification.

Dr. Peter K. Rogan Lab, Western University
No classification provided (evidence only). Condition: Cervical cancer. Review status: no classification provided. Collection method: in vitro. Allele origin: not applicable. Functional consequence: retained intron. Not counted in ClinVar's aggregate classification.

Dr. Peter K. Rogan Lab, Western University
No classification provided (evidence only). Condition: Cervical cancer. Review status: no classification provided. Collection method: in vitro. Allele origin: not applicable. Functional consequence: retained intron. Not counted in ClinVar's aggregate classification.

Dr. Peter K. Rogan Lab, Western University
No classification provided (evidence only). Condition: Cervical cancer. Review status: no classification provided. Collection method: in vitro. Allele origin: not applicable. Functional consequence: retained intron. Not counted in ClinVar's aggregate classification.

Dr. Peter K. Rogan Lab, Western University
No classification provided (evidence only). Condition: Thymoma. Review status: no classification provided. Collection method: in vitro. Allele origin: not applicable. Functional consequence: retained intron. Not counted in ClinVar's aggregate classification.

Dr. Peter K. Rogan Lab, Western University
No classification provided (evidence only). Condition: Ovarian serous cystadenocarcinoma. Review status: no classification provided. Collection method: in vitro. Allele origin: not applicable. Functional consequence: retained intron. Not counted in ClinVar's aggregate classification.

Dr. Peter K. Rogan Lab, Western University
No classification provided (evidence only). Condition: Gastric cancer. Review status: no classification provided. Collection method: in vitro. Allele origin: not applicable. Functional consequence: retained intron. Not counted in ClinVar's aggregate classification.

Dr. Peter K. Rogan Lab, Western University
No classification provided (evidence only). Condition: Gastric cancer. Review status: no classification provided. Collection method: in vitro. Allele origin: not applicable. Functional consequence: retained intron. Not counted in ClinVar's aggregate classification.

Dr. Peter K. Rogan Lab, Western University
No classification provided (evidence only). Condition: Uterine carcinosarcoma. Review status: no classification provided. Collection method: in vitro. Allele origin: not applicable. Functional consequence: retained intron. Not counted in ClinVar's aggregate classification.

Dr. Peter K. Rogan Lab, Western University
No classification provided (evidence only). Condition: Nonpapillary renal cell carcinoma. Review status: no classification provided. Collection method: in vitro. Allele origin: not applicable. Functional consequence: skipped exon, retained intron. Not counted in ClinVar's aggregate classification.